The following is an entry in ClinVar:

NM_001374353.1(GLI2):c.349del (p.Ala117fs)

Gene: GLI2 (GLI family zinc finger 2; plus strand). Cytogenetic location: 2q14.2.
Variant type: Deletion.
Coding change: c.349del on transcript NM_001374353.1 (MANE Select); coding-DNA position 349, one base deleted (G; older notation c.349delG).
Protein change: p.Ala117fs; shifts the reading frame from alanine 117.
Molecular consequence: frameshift variant. On other transcripts: 5 prime UTR variant (1).
Genome position (GRCh38, 1-based): chr2:120,951,337, G deleted. VCF-style (leftmost placement, unchanged base first): chr2-120951336-CG-C. GRCh37 (hg19) VCF-style: chr2-121708912-CG-C.
Other names: c.349del, p.Ala117fs (NM_001371271.1, NM_005270.5); c.-27del (NM_001374354.1); short protein forms A117fs.
Identifiers: ClinVar variation 3382439 (VCV003382439.2).

ClinVar aggregate classification (germline): Likely pathogenic (1 of 4 stars; one submission).

Conditions:
Postaxial polydactyly-anterior pituitary anomalies-facial dysmorphism syndrome. Also called: Culler-Jones syndrome. Identifiers: Orphanet 420584, MedGen C4014479, MONDO:0014369, OMIM 615849.
Holoprosencephaly 9 (HPE9). Also called: HOLOPROSENCEPHALY WITH MICROPHTHALMIA AND FIRST BRANCHIAL ARCH ANOMALIES; PITUITARY ANOMALIES WITH HOLOPROSENCEPHALY-LIKE FEATURES. Identifiers: Orphanet 2162, MedGen C1835819, MONDO:0012563, OMIM 610829.

Submission:

Juno Genomics, Hangzhou Juno Genomics, Inc
Classification: Likely pathogenic for Postaxial polydactyly-anterior pituitary anomalies-facial dysmorphism syndrome; Holoprosencephaly 9. Review status: criteria provided, single submitter. Criteria: ACMG Guidelines, 2015. Collection method: clinical testing. Allele origin: germline. Affected: yes.
Comment: Absent from controls (or at extremely low frequency if recessive) in Genome Aggregation Database, Exome Sequencing Project, 1000 Genomes Project, or Exome Aggregation Consortium.;Null variant in a gene where loss of function (LOF) is a known mechanism of disease.